The following is an entry in ClinVar:

ClinVar aggregate classification (germline): Likely pathogenic (1 of 4 stars; one submission).

Conditions:
Early-infantile DEE. Also called: Ohtahara syndrome; Early infantile epileptic encephalopathy with suppression bursts; Early infantile epileptic encephalopathy. Identifiers: Orphanet 1934, MedGen C0393706, MONDO:0800491.

Submission:

Labcorp Genetics (formerly Invitae), Labcorp
Classification: Likely pathogenic for Early-infantile DEE. Last evaluated: 2025-02-03. Review status: criteria provided, single submitter. Criteria: Invitae Variant Classification Sherloc (09022015). Collection method: clinical testing. Allele origin: germline.
Comment: This sequence change replaces serine, which is neutral and polar, with alanine, which is neutral and non-polar, at codon 1328 of the SCN1A protein (p.Ser1328Ala). This variant is not present in population databases (gnomAD no frequency). This variant has not been reported in the literature in individuals affected with SCN1A-related conditions. ClinVar contains an entry for this variant (Variation ID: 2026678). Invitae Evidence Modeling of protein sequence and biophysical properties (such as structural, functional, and spatial information, amino acid conservation, physicochemical variation, residue mobility, and thermodynamic stability) indicates that this missense variant is expected to disrupt SCN1A protein function with a positive predictive value of 95%. This variant disrupts the p.Ser1328 amino acid residue in SCN1A. Other variant(s) that disrupt this residue have been determined to be pathogenic (PMID: 18930999, 23195492, 27458797, 29573403). This suggests that this residue is clinically significant, and that variants that disrupt this residue are likely to be disease-causing. In summary, the currently available evidence indicates that the variant is pathogenic, but additional data are needed to prove that conclusively. Therefore, this variant has been classified as Likely Pathogenic.

Literature cited by the submitters: PubMed 18930999; PubMed 23195492; PubMed 27458797; PubMed 29573403.

NM_001165963.4(SCN1A):c.3982T>G (p.Ser1328Ala)

Genes: SCN1A (sodium voltage-gated channel alpha subunit 1; minus strand), LOC102724058 (uncharacterized LOC102724058; plus strand). Cytogenetic location: 2q24.3.
Variant type: single nucleotide variant.
Coding change: c.3982T>G on transcript NM_001165963.4 (MANE Select); coding-DNA position 3982, T replaced by G.
Protein change: p.Ser1328Ala; replaces serine 1328 with alanine.
Molecular consequence: missense variant. On other transcripts: non-coding transcript variant (1).
Genome position (GRCh38, 1-based): chr2:166,009,739, A>C on the plus strand (T>G on the coding strand, the complement: SCN1A is on the minus strand). VCF-style: chr2-166009739-A-C. GRCh37 (hg19) VCF-style: chr2-166866249-A-C.
Other names: c.3946T>G, p.Ser1316Ala (NM_001353955.2, NM_001353954.2); c.3898T>G, p.Ser1300Ala (NM_001353957.2, NM_001353958.2, NM_001165964.3); c.3895T>G, p.Ser1299Ala (NM_001353960.2); c.1540T>G, p.Ser514Ala (NM_001353961.2); c.3949T>G, p.Ser1317Ala (NM_006920.6, NM_001353949.2, NM_001353950.2 and 2 more transcripts); c.3982T>G, p.Ser1328Ala (NM_001202435.3, NM_001353948.2); short protein forms S1300A, S1316A, S514A, S1299A, S1317A, S1328A.
Identifiers: ClinVar variation 2026678 (VCV002026678.4), dbSNP rs2468493029, ClinGen allele CA349052943.